The following is an entry in ClinVar:

NM_005609.4(PYGM):c.181C>T (p.Arg61Cys)

Gene: PYGM (glycogen phosphorylase, muscle associated; minus strand). Cytogenetic location: 11q13.1.
Variant type: single nucleotide variant.
Coding change: c.181C>T on transcript NM_005609.4 (MANE Select); coding-DNA position 181, C replaced by T.
Protein change: p.Arg61Cys; replaces arginine 61 with cysteine.
Molecular consequence: missense variant.
Genome position (GRCh38, 1-based): chr11:64,759,718, G>A on the plus strand (C>T on the coding strand, the complement: PYGM is on the minus strand). VCF-style: chr11-64759718-G-A. GRCh37 (hg19) VCF-style: chr11-64527190-G-A.
Other names: c.181C>T, p.Arg61Cys (NM_001164716.1); short protein forms R61C.
Identifiers: ClinVar variation 1447547 (VCV001447547.6), dbSNP rs1413461008, ClinGen allele CA381112285.
Genomic context (GRCh38, chr11:64,759,718, plus strand): 5'-TGGGGTCCTTCTCATAGTAGTGCTGCTGCGTGCGGATCCAGCGCCCCACGAGGTGGTCGC[G>A]CACGGTATGGGCCAGAGCAAAGTAGTAGTCTCGTGGGGTGGCCACATTGCGGTCCTTTAC-3'
Protein context (NP_005600.1, residues 51-71): DYYFALAHTV[Arg61Cys]DHLVGRWIRT

ClinVar aggregate classification (germline): Uncertain significance. Review status: criteria provided, multiple submitters, no conflicts (2 of 4 stars). 2 submissions from 2 submitters: Uncertain significance (2). Last evaluated 2022-07-01.

Conditions:
Glycogen storage disease, type V (GSD5). Also called: MCARDLE DISEASE; MUSCLE GLYCOGEN PHOSPHORYLASE DEFICIENCY; MYOPHOSPHORYLASE DEFICIENCY; PYGM DEFICIENCY; McArdle type glycogen storage disease. Identifiers: Orphanet 368, MedGen C0017924, MONDO:0009293, OMIM 232600.

gnomAD v4.1: 19 of 1,614,012 alleles (0.0012%); highest among the groups gnomAD compares: Admixed American, 0.0033%; no homozygotes.

Submissions (2):

Women's Health and Genetics/Laboratory Corporation of America, LabCorp
Classification: Uncertain significance. Last evaluated: 2022-07-01. Review status: criteria provided, single submitter. Criteria: LabCorp Variant Classification Summary - May 2015. Collection method: clinical testing. Allele origin: germline.
Comment: Variant summary: PYGM c.181C>T (p.Arg61Cys) results in a non-conservative amino acid change in the encoded protein sequence. Five of five in-silico tools predict a damaging effect of the variant on protein function. The variant was absent in 251298 control chromosomes (gnomAD). The available data on variant occurrences in the general population are insufficient to allow any conclusion about variant significance. To our knowledge, no occurrence of c.181C>T in individuals affected with Glycogen Storage Disease, Type V and no experimental evidence demonstrating its impact on protein function have been reported. One clinical diagnostic laboratory has submitted clinical-significance assessments for this variant to ClinVar after 2014 and classified the variant as uncertain significance. Based on the evidence outlined above, the variant was classified as uncertain significance.

Labcorp Genetics (formerly Invitae), Labcorp
Classification: Uncertain significance for Glycogen storage disease, type V. Last evaluated: 2021-09-30. Review status: criteria provided, single submitter. Criteria: Invitae Variant Classification Sherloc (09022015). Collection method: clinical testing. Allele origin: germline.
Comment: This sequence change replaces arginine with cysteine at codon 61 of the PYGM protein (p.Arg61Cys). The arginine residue is highly conserved and there is a large physicochemical difference between arginine and cysteine. This variant is not present in population databases (ExAC no frequency). This variant has not been reported in the literature in individuals affected with PYGM-related conditions. Algorithms developed to predict the effect of missense changes on protein structure and function are either unavailable or do not agree on the potential impact of this missense change (SIFT: "Not Available"; PolyPhen-2: "Probably Damaging"; Align-GVGD: "Not Available"). In summary, the available evidence is currently insufficient to determine the role of this variant in disease. Therefore, it has been classified as a Variant of Uncertain Significance.